The following is an entry in ClinVar:

ClinVar aggregate classification (germline): Benign/Likely benign. Review status: criteria provided, multiple submitters, no conflicts (2 of 4 stars). 3 submissions from 3 submitters: Benign (1); Likely benign (2). Last evaluated 2026-04-16.

Conditions:
DICER1-related tumor predisposition. Also called: DICER1 syndrome; DICER1-related pleuropulmonary blastoma cancer predisposition syndrome. Identifiers: Orphanet 284343, MedGen C3839822, MONDO:0100216.
Hereditary cancer-predisposing syndrome. Also called: Tumor predisposition; Hereditary Cancer Syndrome; Hereditary neoplastic syndrome; Neoplastic Syndromes, Hereditary. Identifiers: Orphanet 140162, MedGen C0027672, MeSH D009386, MONDO:0015356.

Allele frequency attached by ClinVar (database versions not stated): TOPMed below 0.00001; ExAC 0.00001; gnomAD exomes below 0.00001 and 0.00001; gnomAD 0.00001; ESP Exome Variant Server 0.00008.
gnomAD v4.1: 15 of 1,613,924 alleles (0.00093%); highest among the groups gnomAD compares: Non-Finnish European, 0.0013%; no homozygotes.

Submissions (3):

Myriad Genetics, Inc.
Classification: Benign for DICER1-related tumor predisposition. Last evaluated: 2026-04-16. Review status: criteria provided, single submitter. Criteria: Myriad Autosomal Dominant, Autosomal Recessive and X-Linked Classification Criteria (2023). Collection method: clinical testing. Allele origin: unknown.
Comment: This variant is considered benign. This variant is a silent/synonymous amino acid change and it is not expected to impact splicing.

Labcorp Genetics (formerly Invitae), Labcorp
Classification: Likely benign for DICER1-related tumor predisposition. Last evaluated: 2024-11-18. Review status: criteria provided, single submitter. Criteria: Invitae Variant Classification Sherloc (09022015). Collection method: clinical testing. Allele origin: germline.

Ambry Genetics
Classification: Likely benign for Hereditary cancer-predisposing syndrome. Last evaluated: 2020-09-04. Review status: criteria provided, single submitter. Criteria: Ambry Variant Classification Scheme 2023. Collection method: clinical testing. Allele origin: germline.

NM_177438.3(DICER1):c.2049A>C (p.Pro683=)

Gene: DICER1 (dicer 1, ribonuclease III; minus strand). Cytogenetic location: 14q32.13.
Variant type: single nucleotide variant.
Coding change: c.2049A>C on transcript NM_177438.3 (MANE Select); coding-DNA position 2049, A replaced by C.
Protein change: p.Pro683=; no amino-acid change (proline 683 retained).
Molecular consequence: synonymous variant.
Genome position (GRCh38, 1-based): chr14:95,112,239, T>G on the plus strand (A>C on the coding strand, the complement: DICER1 is on the minus strand). VCF-style: chr14-95112239-T-G. GRCh37 (hg19) VCF-style: chr14-95578576-T-G.
Other names: c.2049A>C, p.Pro683= (NM_001195573.1, NM_001271282.3, NM_001291628.2 and 1 more transcripts).
Identifiers: ClinVar variation 760511 (VCV000760511.13), dbSNP rs368736189, ClinGen allele CA7331328.